The following is an entry in ClinVar:

NM_015272.5(RPGRIP1L):c.3558_3559del (p.Pro1187fs)

Gene: RPGRIP1L (RPGRIP1 like; minus strand). Cytogenetic location: 16q12.2.
Variant type: Microsatellite.
Coding change: c.3558_3559del on transcript NM_015272.5 (MANE Select); coding-DNA positions 3558 to 3559, 2 bases deleted (AC; older notation c.3558_3559delAC).
Protein change: p.Pro1187fs; shifts the reading frame from proline 1187.
Molecular consequence: frameshift variant.
Genome position (GRCh38, 1-based): chr16:53,619,082-53,619,083, GT deleted on the plus strand (AC on the coding strand, the reverse complement: RPGRIP1L is on the minus strand); deleting any 2 consecutive bases within chr16:53,619,082-53,619,085 gives the same sequence; the c. name uses the placement nearest the transcript's 3' end. VCF-style (leftmost placement, unchanged base first): chr16-53619081-GGT-G. GRCh37 (hg19) VCF-style: chr16-53652993-GGT-G.
Other names: c.3318_3319del, p.Pro1107fs (NM_001127897.4); c.3420_3421del, p.Pro1141fs (NM_001308334.3); c.3456_3457del, p.Pro1153fs (NM_001330538.2); short protein forms P1107fs, P1153fs, P1187fs, P1141fs.
Identifiers: ClinVar variation 2926249 (VCV002926249.3), dbSNP rs1200131247, ClinGen allele CA622655305.

ClinVar aggregate classification (germline): Pathogenic (1 of 4 stars; one submission).

Conditions:
Joubert syndrome. Also called: CEREBELLOPARENCHYMAL DISORDER IV; JOUBERT-BOLTSHAUSER SYNDROME; Familial aplasia of the vermis. Identifiers: Orphanet 475, MedGen C5979921, MONDO:0018772.
Meckel-Gruber syndrome. Also called: DYSENCEPHALIA SPLANCHNOCYSTICA; GRUBER SYNDROME; Dysencephalia splachnocystica. Identifiers: Orphanet 564, MedGen C0265215, MONDO:0018921.

Submission:

Labcorp Genetics (formerly Invitae), Labcorp
Classification: Pathogenic for Joubert syndrome; Meckel-Gruber syndrome. Last evaluated: 2023-08-30. Review status: criteria provided, single submitter. Criteria: Invitae Variant Classification Sherloc (09022015). Collection method: clinical testing. Allele origin: germline.
Comment: This variant is present in population databases (no rsID available, gnomAD 0.006%). For these reasons, this variant has been classified as Pathogenic. This variant has not been reported in the literature in individuals affected with RPGRIP1L-related conditions. This sequence change creates a premature translational stop signal (p.Pro1187Argfs*15) in the RPGRIP1L gene. It is expected to result in an absent or disrupted protein product. Loss-of-function variants in RPGRIP1L are known to be pathogenic (PMID: 17558409).

Literature cited by the submitters: PubMed 17558409.